The following is an entry in ClinVar:

NM_001323289.2(CDKL5):c.2387C>G (p.Ser796Cys)

Gene: CDKL5 (cyclin dependent kinase like 5; plus strand). Cytogenetic location: Xp22.13.
Variant type: single nucleotide variant.
Coding change: c.2387C>G on transcript NM_001323289.2 (MANE Select); coding-DNA position 2387, C replaced by G.
Protein change: p.Ser796Cys; replaces serine 796 with cysteine.
Molecular consequence: missense variant.
Genome position (GRCh38, 1-based): chrX:18,625,138, C>G. VCF-style: chrX-18625138-C-G. GRCh37 (hg19) VCF-style: chrX-18643258-C-G.
Other names: c.2387C>G, p.Ser796Cys (NM_001037343.2, NM_003159.3); short protein forms S796C.
Identifiers: ClinVar variation 1790504 (VCV001790504.5), dbSNP rs1302133071, ClinGen allele CA412365279.

ClinVar aggregate classification (germline): Uncertain significance. Review status: criteria provided, multiple submitters, no conflicts (2 of 4 stars). 2 submissions from 2 submitters: Uncertain significance (2). Last evaluated 2023-11-03.

Conditions:
Inborn genetic diseases. Identifiers: MedGen C0950123, MeSH D030342.
Angelman syndrome-like. Identifiers: MedGen CN128785.
Developmental and epileptic encephalopathy, 2 (DEE2). Also called: CDKL5 deficiency disorder; INFANTILE SPASM SYNDROME, X-LINKED 2. Identifiers: Orphanet 1934, Orphanet 3451, Orphanet 505652, MedGen C4750718, MONDO:0010396, OMIM 300672.

Allele frequency attached by ClinVar (database versions not stated): TOPMed below 0.00001; gnomAD 0.00001; gnomAD exomes 0.00001.
gnomAD v4.1: 11 of 1,205,177 alleles (0.00091%); highest among the groups gnomAD compares: Non-Finnish European, 0.0012%; no homozygotes.

Submissions (2):

Labcorp Genetics (formerly Invitae), Labcorp
Classification: Uncertain significance for Developmental and epileptic encephalopathy, 2; Angelman syndrome-like. Last evaluated: 2023-11-03. Review status: criteria provided, single submitter. Criteria: Invitae Variant Classification Sherloc (09022015). Collection method: clinical testing. Allele origin: germline.
Comment: This sequence change replaces serine, which is neutral and polar, with cysteine, which is neutral and slightly polar, at codon 796 of the CDKL5 protein (p.Ser796Cys). This variant is not present in population databases (gnomAD no frequency). This variant has not been reported in the literature in individuals affected with CDKL5-related conditions. ClinVar contains an entry for this variant (Variation ID: 1790504). Advanced modeling of protein sequence and biophysical properties (such as structural, functional, and spatial information, amino acid conservation, physicochemical variation, residue mobility, and thermodynamic stability) performed at Invitae indicates that this missense variant is not expected to disrupt CDKL5 protein function with a negative predictive value of 95%. In summary, the available evidence is currently insufficient to determine the role of this variant in disease. Therefore, it has been classified as a Variant of Uncertain Significance.

Ambry Genetics
Classification: Uncertain significance for Inborn genetic diseases. Last evaluated: 2019-07-30. Review status: criteria provided, single submitter. Criteria: Ambry Variant Classification Scheme 2023. Collection method: clinical testing. Allele origin: germline.
Comment: The p.S796C variant (also known as c.2387C>G), located in coding exon 16 of the CDKL5 gene, results from a C to G substitution at nucleotide position 2387. The serine at codon 796 is replaced by cysteine, an amino acid with dissimilar properties. This amino acid position is not well conserved in available vertebrate species. In addition, this alteration is predicted to be tolerated by in silico analysis. Since supporting evidence is limited at this time, the clinical significance of this alteration remains unclear.